The following is an entry in ClinVar:

ClinVar aggregate classification (germline): Conflicting classifications of pathogenicity. Review status: criteria provided, conflicting classifications (1 of 4 stars). 3 submissions from 3 submitters: Likely pathogenic (1); Uncertain significance (2). Last evaluated 2025-03-13.

Conditions:
Type 2 collagenopathy. Identifiers: Orphanet 93421, MedGen C2931073, MONDO:0022800.

Submissions (3):

GeneDx
Classification: Uncertain significance. Last evaluated: 2025-03-13. Review status: criteria provided, single submitter. Criteria: GeneDx Variant Classification Process June 2021. Collection method: clinical testing. Allele origin: germline. Affected: yes.
Comment: Not observed at significant frequency in large population cohorts (gnomAD); In silico analysis supports that this missense variant has a deleterious effect on protein structure/function; Has not been previously published as pathogenic or benign to our knowledge

Victorian Clinical Genetics Services, Murdoch Childrens Research Institute
Classification: Likely pathogenic for Type 2 collagenopathy. Last evaluated: 2025-03-13. Review status: criteria provided, single submitter. Criteria: ACMG Guidelines, 2015. Collection method: clinical testing. Allele origin: germline. Affected: yes.
Comment: This variant is classified as Likely pathogenic. Evidence in support of pathogenic classification: Variant is absent from gnomAD (v2, v3 and v4); Variant is located in the well-established functional Gly-X-Y repeat of the collagen triple helical domain (DECIPHER); Missense variant predicted to be damaging by in silico tool(s) or highly conserved with a major amino acid change. Additional information: Variant is predicted to result in a missense amino acid change from glycine to arginine; This variant is heterozygous; This gene is associated with autosomal dominant disease; Alternative amino acid change(s) at the same position are present in gnomAD (highest allele count: v4: 1 heterozygote(s), 0 homozygote(s)); Previous evidence of pathogenicity for this variant is inconclusive. It has been classified as a variant of uncertain significance by two clinical laboratories (ClinVar); No published segregation evidence has been identified for this variant; No published functional evidence has been identified for this variant; No comparable missense variants have previous evidence for pathogenicity; Dominant negative and loss of function are known mechanisms of disease in this gene and are associated with COL2A1-related disorders. Loss of function variants have been reported to cause Stickler syndrome, whereas missense variants with a dominant negative effect on protein function result in spondyloepiphyseal or spondyloepimetaphyseal dysplasia (OMIM, PMID: 35052477, PMID: 15895462); Variants in this gene are known to have variable expressivity (PMID: 20301479).

Labcorp Genetics (formerly Invitae), Labcorp
Classification: Uncertain significance. Last evaluated: 2024-05-26. Review status: criteria provided, single submitter. Criteria: Invitae Variant Classification Sherloc (09022015). Collection method: clinical testing. Allele origin: germline.
Comment: This sequence change replaces glycine, which is neutral and non-polar, with arginine, which is basic and polar, at codon 156 of the COL2A1 protein (p.Gly156Arg). This variant is not present in population databases (gnomAD no frequency). This variant has not been reported in the literature in individuals affected with COL2A1-related conditions. ClinVar contains an entry for this variant (Variation ID: 1305506). Advanced modeling of protein sequence and biophysical properties (such as structural, functional, and spatial information, amino acid conservation, physicochemical variation, residue mobility, and thermodynamic stability) performed at Invitae indicates that this missense variant is expected to disrupt COL2A1 protein function with a positive predictive value of 95%. In summary, the available evidence is currently insufficient to determine the role of this variant in disease. Therefore, it has been classified as a Variant of Uncertain Significance.

Literature cited by the submitters: PubMed 15895462 (cited by Victorian Clinical Genetics Services, Murdoch Childrens Research Institute); PubMed 20301479 (cited by Victorian Clinical Genetics Services, Murdoch Childrens Research Institute); PubMed 35052477 (cited by Victorian Clinical Genetics Services, Murdoch Childrens Research Institute).

NM_001844.5(COL2A1):c.466G>A (p.Gly156Arg)

Gene: COL2A1 (collagen type II alpha 1 chain; minus strand). Cytogenetic location: 12q13.11.
Variant type: single nucleotide variant.
Coding change: c.466G>A on transcript NM_001844.5 (MANE Select); coding-DNA position 466, G replaced by A.
Protein change: p.Gly156Arg; replaces glycine 156 with arginine.
Molecular consequence: missense variant.
Genome position (GRCh38, 1-based): chr12:47,997,671, C>T on the plus strand (G>A on the coding strand, the complement: COL2A1 is on the minus strand). VCF-style: chr12-47997671-C-T. GRCh37 (hg19) VCF-style: chr12-48391454-C-T.
Other names: c.259G>A, p.Gly87Arg (NM_033150.3); short protein forms G156R, G87R.
Identifiers: ClinVar variation 1305506 (VCV001305506.11), dbSNP rs2136626415, ClinGen allele CA384524850.